The following is an entry in ClinVar:

ClinVar aggregate classification (germline): Likely benign (1 of 4 stars; one submission).

Conditions:
ALMS1-related disorder. Also called: ALMS1-related condition.

gnomAD v4.1: 2 of 1,614,096 alleles (0.00012%); highest among the groups gnomAD compares: Non-Finnish European, 0.00017%; no homozygotes.

Submission:

PreventionGenetics, part of Exact Sciences
Classification: Likely benign for ALMS1-related condition. Last evaluated: 2022-04-18. Review status: criteria provided, single submitter. Criteria: ACMG Guidelines, 2015. Collection method: clinical testing. Allele origin: germline.
Comment: This variant is classified as likely benign based on ACMG/AMP sequence variant interpretation guidelines (Richards et al. 2015 PMID: 25741868, with internal and published modifications).

NM_001378454.1(ALMS1):c.5170C>T (p.Gln1724Ter)

Gene: ALMS1 (ALMS1 centrosome and basal body associated protein; plus strand). Cytogenetic location: 2p13.1.
Variant type: single nucleotide variant.
Coding change: c.5170C>T on transcript NM_001378454.1 (MANE Select); coding-DNA position 5170, C replaced by T.
Protein change: p.Gln1724Ter; replaces glutamine 1724 with a stop codon.
Molecular consequence: nonsense.
Genome position (GRCh38, 1-based): chr2:73,451,697, C>T. VCF-style: chr2-73451697-C-T. GRCh37 (hg19) VCF-style: chr2-73678824-C-T.
Other names: c.5173C>T, p.Gln1725Ter (NM_015120.4); short protein forms Q1724*, Q1725*.
Identifiers: ClinVar variation 3034300 (VCV003034300.1), dbSNP rs2466104103, ClinGen allele CA347280242.